The following is an entry in ClinVar:

NC_000018.9:g.(?_48591773)_(48604837_?)dup

Gene: SMAD4 (SMAD family member 4; plus strand). Cytogenetic location: 18q21.2.
Variant type: Duplication.
Identifiers: ClinVar variation 3242738 (VCV003242738.1).

ClinVar aggregate classification (germline): Uncertain significance (1 of 4 stars; one submission).

Conditions:
Juvenile polyposis syndrome (JPS). Identifiers: Orphanet 2929, MedGen C0345893, MONDO:0017380, OMIM 174900.

Submission:

Labcorp Genetics (formerly Invitae), Labcorp
Classification: Uncertain significance for Juvenile polyposis syndrome. Last evaluated: 2023-08-03. Review status: criteria provided, single submitter. Criteria: Invitae Variant Classification Sherloc (09022015). Collection method: clinical testing. Allele origin: unknown.
Comment: In summary, the available evidence is currently insufficient to determine the role of this variant in disease. Therefore, it has been classified as a Variant of Uncertain Significance. This variant has not been reported in the literature in individuals affected with SMAD4-related conditions. This variant results in a copy number gain of the genomic region encompassing exon(s) 9-12 of the SMAD4 gene. This region includes the termination codon of the gene. This copy number gain extends beyond the assayed region for this gene and therefore may encompass additional genes. As the precise location of this event is unknown, it may be in tandem or it may be located elsewhere in the genome.